The following is an entry in ClinVar:

NM_007294.4(BRCA1):c.5099C>A (p.Thr1700Lys)

Gene: BRCA1 (BRCA1 DNA repair associated; minus strand). Cytogenetic location: 17q21.31.
Variant type: single nucleotide variant.
Coding change: c.5099C>A on transcript NM_007294.4 (MANE Select); coding-DNA position 5099, C replaced by A.
Protein change: p.Thr1700Lys; replaces threonine 1700 with lysine.
Molecular consequence: missense variant. On other transcripts: non-coding transcript variant (1).
Genome position (GRCh38, 1-based): chr17:43,063,927, G>T on the plus strand (C>A on the coding strand, the complement: BRCA1 is on the minus strand). VCF-style: chr17-43063927-G-T. GRCh37 (hg19) VCF-style: chr17-41215944-G-T.
Other names: c.4886C>A, p.Thr1629Lys (NM_001407571.1, NM_001407897.1, NM_001407898.1 and 12 more transcripts); c.5165C>A, p.Thr1722Lys (NM_001407581.1, NM_001407582.1); c.5162C>A, p.Thr1721Lys (NM_001407583.1, NM_001407585.1, NM_001407587.1 and 1 more transcripts); c.5159C>A, p.Thr1720Lys (NM_001407590.1, NM_001407591.1); c.5099C>A, p.Thr1700Lys (NM_001407593.1, NM_001407594.1, NM_001407596.1 and 7 more transcripts); c.5096C>A, p.Thr1699Lys (NM_001407610.1, NM_001407611.1, NM_001407612.1 and 17 more transcripts); c.5093C>A, p.Thr1698Lys (NM_001407627.1, NM_001407628.1, NM_001407629.1 and 14 more transcripts); c.5090C>A, p.Thr1697Lys (NM_001407644.1, NM_001407645.1); and 71 more; short protein forms T1700K, T596K, T1653K, T1721K, T1403K, T1587K, T1612K, T1629K.
Identifiers: ClinVar variation 869022 (VCV000869022.3), dbSNP rs2051927197, ClinGen allele CA10591331.

Conditions:
Breast-ovarian cancer, familial, susceptibility to, 1 (BROVCA1). Also called: BRCA1 Hereditary Breast and Ovarian Cancer; OVARIAN CANCER, SUSCEPTIBILITY TO. Identifiers: Orphanet 145, MedGen C2676676, MONDO:0011450, OMIM 604370. Disease mechanism: loss of function.

Submission:

Brotman Baty Institute, University of Washington
No classification provided (evidence only). Condition: Breast-ovarian cancer, familial 1. Review status: no classification provided. Collection method: in vitro. Allele origin: not applicable. Functional consequence: functionally_abnormal.
ClinVar note: "not provided" was previously submitted as the classification for the variant. However, the classification appeared to be based only on an observation of functional data so it was converted to no classification on 2025-07-30.